The following is an entry in ClinVar:

ClinVar aggregate classification (germline): Conflicting classifications of pathogenicity. Review status: criteria provided, conflicting classifications (1 of 4 stars). 3 submissions from 3 submitters: Uncertain significance (2); Likely benign (1). Last evaluated 2025-06-23.

Conditions:
Dyskeratosis congenita, autosomal dominant 2. Identifiers: MedGen C3151443, MONDO:0013521, OMIM 613989.
Idiopathic Pulmonary Fibrosis. Also called: Idiopathic fibrosing alveolitis, chronic form; idiopathic fibrosing alveolitis. Identifiers: Orphanet 2032, MedGen C1800706, MeSH D054990, MONDO:0800504.
Dyskeratosis congenita. Identifiers: Orphanet 1775, MedGen C0265965, MONDO:0015780.

Allele frequency attached by ClinVar (database versions not stated): ExAC 0.00001; gnomAD 0.00001; gnomAD exomes 0.00001 and 0.00002; TOPMed 0.00003.
gnomAD v4.1: 16 of 1,613,666 alleles (0.00099%); highest among the groups gnomAD compares: East Asian, 0.0067%; no homozygotes.

Submissions (3):

Labcorp Genetics (formerly Invitae), Labcorp
Classification: Likely benign for Dyskeratosis congenita, autosomal dominant 2; Idiopathic Pulmonary Fibrosis. Last evaluated: 2025-06-23. Review status: criteria provided, single submitter. Criteria: Invitae Variant Classification Sherloc (09022015). Collection method: clinical testing. Allele origin: germline.

Ambry Genetics
Classification: Uncertain significance for Dyskeratosis congenita. Last evaluated: 2025-01-16. Review status: criteria provided, single submitter. Criteria: Ambry Variant Classification Scheme 2023. Collection method: clinical testing. Allele origin: germline.
Comment: The p.T618M variant (also known as c.1853C>T), located in coding exon 4 of the TERT gene, results from a C to T substitution at nucleotide position 1853. The threonine at codon 618 is replaced by methionine, an amino acid with similar properties. This amino acid position is conserved. In addition, this alteration is predicted to be tolerated by in silico analysis. Based on the available evidence, the clinical significance of this variant remains unclear.

GeneDx
Classification: Uncertain significance. Last evaluated: 2024-01-31. Review status: criteria provided, single submitter. Criteria: GeneDx Variant Classification Process June 2021. Collection method: clinical testing. Allele origin: germline. Affected: yes.
Comment: In silico analysis supports that this missense variant does not alter protein structure/function; Has not been previously published as pathogenic or benign to our knowledge

NM_198253.3(TERT):c.1853C>T (p.Thr618Met)

Gene: TERT (telomerase reverse transcriptase; minus strand). Cytogenetic location: 5p15.33.
Variant type: single nucleotide variant.
Coding change: c.1853C>T on transcript NM_198253.3 (MANE Select); coding-DNA position 1853, C replaced by T.
Protein change: p.Thr618Met; replaces threonine 618 with methionine.
Molecular consequence: missense variant. On other transcripts: non-coding transcript variant (2).
Genome position (GRCh38, 1-based): chr5:1,280,255, G>A on the plus strand (C>T on the coding strand, the complement: TERT is on the minus strand). VCF-style: chr5-1280255-G-A. GRCh37 (hg19) VCF-style: chr5-1280370-G-A.
Other names: c.1853C>T, p.Thr618Met (NM_001193376.3); short protein forms T618M.
Identifiers: ClinVar variation 653753 (VCV000653753.13), dbSNP rs746434205, ClinGen allele CA3184741.
Genomic context (GRCh38, chr5:1,280,255, plus strand): 5'-TAGTCCATGTTCACAATCGGCCGCAGCCCGTCAGGCTTGGGGATGAAGCGGAGTCTGGAC[G>A]TCAGCAGGGCGGGCCTGGCTTCCCGATGCTGCCTGACCTCTGCTTCCGACAGCTCCCGCA-3'
Protein context (NP_937983.2, residues 608-628): QHREARPALL[Thr618Met]SRLRFIPKPD